The following is an entry in ClinVar:

ClinVar aggregate classification (germline): Uncertain significance. Review status: criteria provided, multiple submitters, no conflicts (2 of 4 stars). 2 submissions from 2 submitters: Uncertain significance (2). Last evaluated 2026-01-19.

Conditions:
Catecholaminergic polymorphic ventricular tachycardia (CVPT). Also called: Catecholamine-induced polymorphic ventricular tachycardia. Identifiers: Orphanet 3286, MedGen C5574922, MONDO:0017990.
Catecholaminergic polymorphic ventricular tachycardia 1. Also called: VENTRICULAR TACHYCARDIA, CATECHOLAMINERGIC POLYMORPHIC, 1, WITH OR WITHOUT ATRIAL DYSFUNCTION AND/OR DILATED CARDIOMYOPATHY; RYR2-Related Catecholaminergic Polymorphic Ventricular Tachycardia; VENTRICULAR TACHYCARDIA, STRESS-INDUCED POLYMORPHIC 1. Identifiers: Orphanet 3286, MedGen C1631597, MONDO:0011484, OMIM 604772.

Allele frequency attached by ClinVar (database versions not stated): gnomAD exomes below 0.00001; TOPMed below 0.00001; gnomAD 0.00001.

Submissions (2):

Labcorp Genetics (formerly Invitae), Labcorp
Classification: Uncertain significance for Catecholaminergic polymorphic ventricular tachycardia 1. Last evaluated: 2026-01-19. Review status: criteria provided, single submitter. Criteria: Invitae Variant Classification Sherloc (09022015). Collection method: clinical testing. Allele origin: germline.
Comment: This sequence change replaces aspartic acid, which is acidic and polar, with glycine, which is neutral and non-polar, at codon 94 of the RYR2 protein (p.Asp94Gly). This variant is not present in population databases (gnomAD no frequency). This variant has not been reported in the literature in individuals affected with RYR2-related conditions. ClinVar contains an entry for this variant (Variation ID: 2192071). Invitae Evidence Modeling of protein sequence and biophysical properties (such as structural, functional, and spatial information, amino acid conservation, physicochemical variation, residue mobility, and thermodynamic stability) indicates that this missense variant is not expected to disrupt RYR2 protein function with a negative predictive value of 95%. In summary, the available evidence is currently insufficient to determine the role of this variant in disease. Therefore, it has been classified as a Variant of Uncertain Significance.

All of Us Research Program, National Institutes of Health
Classification: Uncertain significance for Catecholaminergic polymorphic ventricular tachycardia. Last evaluated: 2024-04-16. Review status: criteria provided, single submitter. Criteria: ACMG Guidelines, 2015. Collection method: clinical testing. Allele origin: germline. Inheritance: Autosomal dominant inheritance. Observed: 1 variant allele, 1 heterozygote.
Comment: This missense variant replaces aspartic acid with glycine at codon 94 of the RYR2 protein. Computational prediction is inconclusive regarding the impact of this variant on protein structure and function (internally defined REVEL score threshold 0.5 < inconclusive < 0.7, PMID: 27666373). To our knowledge, functional studies have not been reported for this variant. This variant has not been reported in individuals affected with RYR2-related disorders in the literature. This variant has not been identified in the general population by the Genome Aggregation Database (gnomAD). The available evidence is insufficient to determine the role of this variant in disease conclusively. Therefore, this variant is classified as a Variant of Uncertain Significance.

This study involves interpretation of variants in research participants for the purpose of population health screening. Participant phenotype was not available at the time of variant classification. Additional details can be found in publication PMID: 35346344, PMCID: PMC8962531

NM_001035.3(RYR2):c.281A>G (p.Asp94Gly)

Gene: RYR2 (ryanodine receptor 2; plus strand). Cytogenetic location: 1q43.
Variant type: single nucleotide variant.
Coding change: c.281A>G on transcript NM_001035.3 (MANE Select); coding-DNA position 281, A replaced by G.
Protein change: p.Asp94Gly; replaces aspartic acid 94 with glycine.
Molecular consequence: missense variant.
Genome position (GRCh38, 1-based): chr1:237,355,972, A>G. VCF-style: chr1-237355972-A-G. GRCh37 (hg19) VCF-style: chr1-237519272-A-G.
Other names: short protein forms D94G.
Identifiers: ClinVar variation 2192071 (VCV002192071.4), dbSNP rs876657989, ClinGen allele CA345654783.